The following is an entry in ClinVar:

ClinVar aggregate classification (germline): Uncertain significance (1 of 4 stars; one submission).

Conditions:
Hereditary cancer-predisposing syndrome. Also called: Neoplastic Syndromes, Hereditary; Tumor predisposition; Hereditary Cancer Syndrome; Hereditary neoplastic syndrome. Identifiers: Orphanet 140162, MedGen C0027672, MeSH D009386, MONDO:0015356.

Submission:

Ambry Genetics
Classification: Uncertain significance for Hereditary cancer-predisposing syndrome. Last evaluated: 2020-03-12. Review status: criteria provided, single submitter. Criteria: Ambry Variant Classification Scheme 2023. Collection method: clinical testing. Allele origin: germline.
Comment: The p.N2618T variant (also known as c.7853A>C), located in coding exon 15 of the APC gene, results from an A to C substitution at nucleotide position 7853. The asparagine at codon 2618 is replaced by threonine, an amino acid with similar properties. This amino acid position is poorly conserved in available vertebrate species. In addition, in silico predictors for this gene do not accurately predict pathogenicity. Since supporting evidence is limited at this time, the clinical significance of this alteration remains unclear.

NM_000038.6(APC):c.7853A>C (p.Asn2618Thr)

Gene: APC (APC regulator of Wnt signaling pathway; plus strand). Cytogenetic location: 5q22.2.
Variant type: single nucleotide variant.
Coding change: c.7853A>C on transcript NM_000038.6 (MANE Select); coding-DNA position 7853, A replaced by C.
Protein change: p.Asn2618Thr; replaces asparagine 2618 with threonine.
Molecular consequence: missense variant.
Genome position (GRCh38, 1-based): chr5:112,843,447, A>C. VCF-style: chr5-112843447-A-C. GRCh37 (hg19) VCF-style: chr5-112179144-A-C.
Other names: c.7853A>C, p.Asn2618Thr (NM_001127510.3, NM_001354895.2, NM_001407450.1); c.7799A>C, p.Asn2600Thr (NM_001127511.3); c.7907A>C, p.Asn2636Thr (NM_001354896.2, NM_001407447.1, NM_001407448.1 and 1 more transcripts); c.7883A>C, p.Asn2628Thr (NM_001354897.2); c.7778A>C, p.Asn2593Thr (NM_001354898.2); c.7769A>C, p.Asn2590Thr (NM_001354899.2); c.7730A>C, p.Asn2577Thr (NM_001354900.2); c.7676A>C, p.Asn2559Thr (NM_001354901.2, NM_001407453.1); and 11 more; short protein forms N2234T, N2492T, N2535T, N2559T, N2593T, N2611T, N2628T, N2517T.
Identifiers: ClinVar variation 1760901 (VCV001760901.2), dbSNP rs1580687270, ClinGen allele CA16038395.